The following is an entry in ClinVar:

NM_133459.4(CCBE1):c.859C>T (p.Pro287Ser)

Gene: CCBE1 (collagen and calcium binding EGF domains 1; minus strand). Cytogenetic location: 18q21.32.
Variant type: single nucleotide variant.
Coding change: c.859C>T on transcript NM_133459.4 (MANE Select); coding-DNA position 859, C replaced by T.
Protein change: p.Pro287Ser; replaces proline 287 with serine.
Molecular consequence: missense variant.
Genome position (GRCh38, 1-based): chr18:59,439,733, G>A on the plus strand (C>T on the coding strand, the complement: CCBE1 is on the minus strand). VCF-style: chr18-59439733-G-A. GRCh37 (hg19) VCF-style: chr18-57106965-G-A.
Other names: short protein forms P287S.
Identifiers: ClinVar variation 1958621 (VCV001958621.2), dbSNP rs749999713, ClinGen allele CA8980312.

ClinVar aggregate classification (germline): Uncertain significance (1 of 4 stars; one submission).

gnomAD v4.1: 8 of 1,614,232 alleles (0.0005%); highest among the groups gnomAD compares: Non-Finnish European, 0.00059%; no homozygotes.

Submission:

Labcorp Genetics (formerly Invitae), Labcorp
Classification: Uncertain significance. Last evaluated: 2022-02-20. Review status: criteria provided, single submitter. Criteria: Invitae Variant Classification Sherloc (09022015). Collection method: clinical testing. Allele origin: germline.
Comment: This sequence change replaces proline, which is neutral and non-polar, with serine, which is neutral and polar, at codon 287 of the CCBE1 protein (p.Pro287Ser). This variant is not present in population databases (gnomAD no frequency). This variant has not been reported in the literature in individuals affected with CCBE1-related conditions. Algorithms developed to predict the effect of missense changes on protein structure and function are either unavailable or do not agree on the potential impact of this missense change (SIFT: "Deleterious"; PolyPhen-2: "Probably Damaging"; Align-GVGD: "Class C0"). In summary, the available evidence is currently insufficient to determine the role of this variant in disease. Therefore, it has been classified as a Variant of Uncertain Significance.